The following is an entry in ClinVar:

NM_000218.3(KCNQ1):c.1595C>T (p.Ala532Val)

Gene: KCNQ1 (potassium voltage-gated channel subfamily Q member 1; plus strand). Cytogenetic location: 11p15.5.
Variant type: single nucleotide variant.
Coding change: c.1595C>T on transcript NM_000218.3 (MANE Select); coding-DNA position 1595, C replaced by T.
Protein change: p.Ala532Val; replaces alanine 532 with valine.
Molecular consequence: missense variant.
Genome position (GRCh38, 1-based): chr11:2,775,964, C>T. VCF-style: chr11-2775964-C-T. GRCh37 (hg19) VCF-style: chr11-2797194-C-T.
Other names: c.1499C>T, p.Ala500Val (NM_001406836.1); c.1325C>T, p.Ala442Val (NM_001406837.1); c.1055C>T, p.Ala352Val (NM_001406838.1); c.1214C>T, p.Ala405Val (NM_181798.2); short protein forms A405V, A532V, A442V, A352V, A500V.
Identifiers: ClinVar variation 841742 (VCV000841742.13), dbSNP rs867549263, ClinGen allele CA216320403.

ClinVar aggregate classification (germline): Uncertain significance. Review status: criteria provided, multiple submitters, no conflicts (2 of 4 stars). 4 submissions from 4 submitters: Uncertain significance (4). Last evaluated 2025-10-13.

Conditions:
Cardiovascular phenotype. Identifiers: MedGen CN230736.
Cardiac arrhythmia. Also called: Arrhythmia; Cardiac rhythm disease. Identifiers: MedGen C0003811, MONDO:0007263, HP:0011675.
Long QT syndrome (LQTS). Identifiers: MedGen C0023976, MeSH D008133, MONDO:0002442. Disease mechanism: loss of function. Inheritance: Various modes of inheritance.

Allele frequency attached by ClinVar (database versions not stated): TOPMed 0.00001.
gnomAD v4.1: 3 of 1,558,500 alleles (0.00019%); highest among the groups gnomAD compares: Admixed American, 0.0019%; no homozygotes.

Submissions (4):

Labcorp Genetics (formerly Invitae), Labcorp
Classification: Uncertain significance for Long QT syndrome. Last evaluated: 2025-10-13. Review status: criteria provided, single submitter. Criteria: Invitae Variant Classification Sherloc (09022015). Collection method: clinical testing. Allele origin: germline.
Comment: This sequence change replaces alanine, which is neutral and non-polar, with valine, which is neutral and non-polar, at codon 532 of the KCNQ1 protein (p.Ala532Val). This variant is not present in population databases (gnomAD no frequency). This variant has not been reported in the literature in individuals affected with KCNQ1-related conditions. ClinVar contains an entry for this variant (Variation ID: 841742). Invitae Evidence Modeling of protein sequence and biophysical properties (such as structural, functional, and spatial information, amino acid conservation, physicochemical variation, residue mobility, and thermodynamic stability) has been performed for this missense variant. However, the output from this modeling did not meet the statistical confidence thresholds required to predict the impact of this variant on KCNQ1 protein function. In summary, the available evidence is currently insufficient to determine the role of this variant in disease. Therefore, it has been classified as a Variant of Uncertain Significance.

Color Diagnostics, LLC DBA Color Health
Classification: Uncertain significance for Cardiac arrhythmia. Last evaluated: 2025-06-02. Review status: criteria provided, single submitter. Criteria: ACMG Guidelines, 2015. Collection method: clinical testing. Allele origin: germline.
Comment: This missense variant replaces alanine with valine at codon 532 of the KCNQ1 protein. Computational prediction suggests that this variant may have deleterious impact on protein structure and function. To our knowledge, functional studies have not been reported for this variant. This variant has not been reported in individuals affected with KCNQ1-related disorders in the literature. This variant has not been identified in the general population by the Genome Aggregation Database (gnomAD). The available evidence is insufficient to determine the role of this variant in disease conclusively. Therefore, this variant is classified as a Variant of Uncertain Significance.

GeneDx
Classification: Uncertain significance. Last evaluated: 2025-03-11. Review status: criteria provided, single submitter. Criteria: GeneDx Variant Classification Process June 2021. Collection method: clinical testing. Allele origin: germline. Affected: yes.
Comment: Not observed at significant frequency in large population cohorts (gnomAD); In silico analysis supports that this missense variant has a deleterious effect on protein structure/function; Has not been previously published as pathogenic or benign to our knowledge

Ambry Genetics
Classification: Uncertain significance for Cardiovascular phenotype. Last evaluated: 2023-06-09. Review status: criteria provided, single submitter. Criteria: Ambry Variant Classification Scheme 2023. Collection method: clinical testing. Allele origin: germline.
Comment: The p.A532V variant (also known as c.1595C>T), located in coding exon 13 of the KCNQ1 gene, results from a C to T substitution at nucleotide position 1595. The alanine at codon 532 is replaced by valine, an amino acid with similar properties. This amino acid position is highly conserved in available vertebrate species. In addition, this alteration is predicted to be deleterious by in silico analysis. Since supporting evidence is limited at this time, the clinical significance of this alteration remains unclear.